The following is an entry in ClinVar:

NM_002693.3(POLG):c.2157+10G>T

Gene: POLG (DNA polymerase gamma, catalytic subunit; minus strand). Cytogenetic location: 15q26.1.
Variant type: single nucleotide variant.
Coding change: c.2157+10G>T on transcript NM_002693.3 (MANE Select); 10 bases into the intron after coding-DNA position 2157, G replaced by T.
Molecular consequence: intron variant.
Genome position (GRCh38, 1-based): chr15:89,323,805, C>A on the plus strand (G>T on the coding strand, the complement: POLG is on the minus strand). VCF-style: chr15-89323805-C-A. GRCh37 (hg19) VCF-style: chr15-89867036-C-A.
Other names: c.2157+10G>T (NM_001126131.2).
Identifiers: ClinVar variation 619497 (VCV000619497.13), dbSNP rs751357356, ClinGen allele CA7724577.

ClinVar aggregate classification (germline): Likely benign. Review status: criteria provided, multiple submitters, no conflicts (2 of 4 stars). 3 submissions from 3 submitters: Likely benign (3). Last evaluated 2025-01-06.

Conditions:
Progressive sclerosing poliodystrophy (MTDPS4A). Also called: Alpers Syndrome; Mitochondrial DNA depletion syndrome 4A (Alpers type); Mitochondrial DNA Depletion Syndrome 4A; Alpers-Huttenlocher Syndrome (AHS); ALPERS PROGRESSIVE INFANTILE POLIODYSTROPHY; ALPERS DIFFUSE DEGENERATION OF CEREBRAL GRAY MATTER WITH HEPATIC CIRRHOSIS. Identifiers: Orphanet 726, MedGen C0205710, MONDO:0008758, OMIM 203700.

Allele frequency attached by ClinVar (database versions not stated): TOPMed below 0.00001; ExAC 0.00001; gnomAD 0.00001; gnomAD exomes below 0.00001.
gnomAD v4.1: 4 of 1,610,432 alleles (0.00025%); highest among the groups gnomAD compares: Non-Finnish European, 0.00034%; no homozygotes.

Submissions (3):

Labcorp Genetics (formerly Invitae), Labcorp
Classification: Likely benign for Progressive sclerosing poliodystrophy. Last evaluated: 2025-01-06. Review status: criteria provided, single submitter. Criteria: Invitae Variant Classification Sherloc (09022015). Collection method: clinical testing. Allele origin: germline.

Blueprint Genetics
Classification: Likely benign. Last evaluated: 2024-06-10. Review status: criteria provided, single submitter. Criteria: ACMG Guidelines, 2015. Collection method: clinical testing. Allele origin: germline.

Wong Mito Lab, Molecular and Human Genetics, Baylor College of Medicine
Classification: Likely benign for Progressive sclerosing poliodystrophy. Last evaluated: 2018-10-01. Review status: criteria provided, single submitter. Criteria: ACMG Guidelines, 2015. Collection method: clinical testing. Allele origin: germline.
Comment: The NM_002693.2:c.2157+10G>T (NP_002684.1:p.=) [GRCH38: NC_000015.10:g.89323805C>A] variant in POLG gene is interpretated to be a Likely Benign based on ACMG guidelines (PMID: 25741868). This variant meets the following evidence codes reported in the ACMG-guideline. BP4:Computational evidence/predictors indicate no impact on the POLG structure, function, or protein-protein interaction. BP6:Reputable source(s) without shared data suggest the variant is benign. Based on the evidence criteria codes applied, the variant is suggested to be Likely Benign.